The following is an entry in ClinVar:

NM_000214.3(JAG1):c.3289C>G (p.Arg1097Gly)

Gene: JAG1 (jagged canonical Notch ligand 1; minus strand). Cytogenetic location: 20p12.2.
Variant type: single nucleotide variant.
Coding change: c.3289C>G on transcript NM_000214.3 (MANE Select); coding-DNA position 3289, C replaced by G.
Protein change: p.Arg1097Gly; replaces arginine 1097 with glycine.
Molecular consequence: missense variant.
Genome position (GRCh38, 1-based): chr20:10,639,866, G>C on the plus strand (C>G on the coding strand, the complement: JAG1 is on the minus strand). VCF-style: chr20-10639866-G-C. GRCh37 (hg19) VCF-style: chr20-10620514-G-C.
Other names: short protein forms R1097G.
Identifiers: ClinVar variation 3573784 (VCV003573784.1).

ClinVar aggregate classification (germline): Uncertain significance (1 of 4 stars; one submission).

Submission:

GeneDx
Classification: Uncertain significance. Last evaluated: 2024-07-19. Review status: criteria provided, single submitter. Criteria: GeneDx Variant Classification Process June 2021. Collection method: clinical testing. Allele origin: germline. Affected: yes.
Comment: Not observed at significant frequency in large population cohorts (gnomAD); In silico analysis supports that this missense variant has a deleterious effect on protein structure/function; Has not been previously published as pathogenic or benign to our knowledge